The following is an entry in ClinVar:

ClinVar aggregate classification (germline): Uncertain significance (1 of 4 stars; one submission).

Conditions:
Hereditary cancer-predisposing syndrome. Also called: Neoplastic Syndromes, Hereditary; Tumor predisposition; Hereditary neoplastic syndrome; Hereditary Cancer Syndrome. Identifiers: Orphanet 140162, MedGen C0027672, MeSH D009386, MONDO:0015356.

Submission:

Ambry Genetics
Classification: Uncertain significance for Hereditary cancer-predisposing syndrome. Last evaluated: 2026-08-02. Review status: criteria provided, single submitter. Criteria: Ambry Variant Classification Scheme 2023. Collection method: clinical testing. Allele origin: germline.
Comment: The p.E282G variant (also known as c.845A>G), located in coding exon 8 of the RB1 gene, results from an A to G substitution at nucleotide position 845. The glutamic acid at codon 282 is replaced by glycine, an amino acid with similar properties. This amino acid position is conserved. In addition, the in silico prediction for this alteration is inconclusive. Based on the available evidence, the clinical significance of this variant remains unclear.

NM_000321.3(RB1):c.845A>G (p.Glu282Gly)

Gene: RB1 (RB transcriptional corepressor 1; plus strand). Cytogenetic location: 13q14.2.
Variant type: single nucleotide variant.
Coding change: c.845A>G on transcript NM_000321.3 (MANE Select); coding-DNA position 845, A replaced by G.
Protein change: p.Glu282Gly; replaces glutamic acid 282 with glycine.
Molecular consequence: missense variant.
Genome position (GRCh38, 1-based): chr13:48,362,941, A>G. VCF-style: chr13-48362941-A-G. GRCh37 (hg19) VCF-style: chr13-48937077-A-G.
Other names: c.845A>G, p.Glu282Gly (NM_001407165.1, NM_001407166.1); short protein forms E282G.
Identifiers: ClinVar variation 5027974 (VCV005027974.1).